The following is an entry in ClinVar:

NM_002691.4(POLD1):c.910T>C (p.Trp304Arg)

Gene: POLD1 (DNA polymerase delta 1, catalytic subunit; plus strand). Cytogenetic location: 19q13.33.
Variant type: single nucleotide variant.
Coding change: c.910T>C on transcript NM_002691.4 (MANE Select); coding-DNA position 910, T replaced by C.
Protein change: p.Trp304Arg; replaces tryptophan 304 with arginine.
Molecular consequence: missense variant. On other transcripts: non-coding transcript variant (1).
Genome position (GRCh38, 1-based): chr19:50,402,681, T>C. VCF-style: chr19-50402681-T-C. GRCh37 (hg19) VCF-style: chr19-50905938-T-C.
Other names: c.910T>C (NM_002691.2); c.910T>C, p.Trp304Arg (NM_001256849.1, NM_001308632.1); short protein forms W304R.
Identifiers: ClinVar variation 1463062 (VCV001463062.9), dbSNP rs751974087, ClinGen allele CA9595952.

ClinVar aggregate classification (germline): Uncertain significance. Review status: criteria provided, multiple submitters, no conflicts (2 of 4 stars). 2 submissions from 2 submitters: Uncertain significance (2). Last evaluated 2022-11-12.

Conditions:
POLD1-related polyposis and colorectal cancer syndrome (CRCS10). Also called: Colorectal cancer 10; COLORECTAL CANCER, SUSCEPTIBILITY TO, ON CHROMOSOME 19q; Colorectal cancer, susceptibility to, 10. Identifiers: Orphanet 220460, MedGen C2675481, MONDO:0012953, OMIM 612591.
Hereditary cancer-predisposing syndrome. Also called: Neoplastic Syndromes, Hereditary; Tumor predisposition; Hereditary Cancer Syndrome; Hereditary neoplastic syndrome. Identifiers: Orphanet 140162, MedGen C0027672, MeSH D009386, MONDO:0015356.

Allele frequency attached by ClinVar (database versions not stated): gnomAD 0.00001; gnomAD exomes below 0.00001; ExAC 0.00002.
gnomAD v4.1: 1 of 1,601,792 alleles (0.000062%); highest among the groups gnomAD compares: East Asian, 0.0022%; no homozygotes.

Submissions (2):

Ambry Genetics
Classification: Uncertain significance for Hereditary cancer-predisposing syndrome. Last evaluated: 2022-11-12. Review status: criteria provided, single submitter. Criteria: Ambry Variant Classification Scheme 2023. Collection method: clinical testing. Allele origin: germline.
Comment: The p.W304R variant (also known as c.910T>C), located in coding exon 7 of the POLD1 gene, results from a T to C substitution at nucleotide position 910. The tryptophan at codon 304 is replaced by arginine, an amino acid with dissimilar properties. This amino acid position is conserved. In addition, the in silico prediction for this alteration is inconclusive. Since supporting evidence is limited at this time, the clinical significance of this alteration remains unclear.

Labcorp Genetics (formerly Invitae), Labcorp
Classification: Uncertain significance for POLD1-related polyposis and colorectal cancer syndrome. Last evaluated: 2021-03-25. Review status: criteria provided, single submitter. Criteria: Invitae Variant Classification Sherloc (09022015). Collection method: clinical testing. Allele origin: germline.
Comment: This variant has not been reported in the literature in individuals with POLD1-related conditions. This sequence change replaces tryptophan with arginine at codon 304 of the POLD1 protein (p.Trp304Arg). The tryptophan residue is highly conserved and there is a moderate physicochemical difference between tryptophan and arginine. This variant is present in population databases (rs751974087, ExAC 0.02%). Algorithms developed to predict the effect of missense changes on protein structure and function are either unavailable or do not agree on the potential impact of this missense change (SIFT: "Deleterious"; PolyPhen-2: "Probably Damaging"; Align-GVGD: "Class C0"). In summary, the available evidence is currently insufficient to determine the role of this variant in disease. Therefore, it has been classified as a Variant of Uncertain Significance.